The following is an entry in ClinVar:

ClinVar aggregate classification (germline): Likely benign (1 of 4 stars; one submission).

Submission:

CeGaT Center for Human Genetics Tuebingen
Classification: Likely benign. Last evaluated: 2026-07-01. Review status: criteria provided, single submitter. Criteria: CeGaT Center For Human Genetics Tuebingen Variant Classification Criteria Version 2. Collection method: clinical testing. Allele origin: germline. Affected: yes. Observed: 1 variant allele.
Comment: CIC: PM2:Supporting, BP4, BP7

NM_001386298.1(CIC):c.4560A>T (p.Pro1520=)

Gene: CIC (capicua transcriptional repressor; plus strand). Cytogenetic location: 19q13.2.
Variant type: single nucleotide variant.
Coding change: c.4560A>T on transcript NM_001386298.1 (MANE Select); coding-DNA position 4560, A replaced by T.
Protein change: p.Pro1520=; no amino-acid change (proline 1520 retained).
Molecular consequence: synonymous variant.
Genome position (GRCh38, 1-based): chr19:42,290,601, A>T. VCF-style: chr19-42290601-A-T. GRCh37 (hg19) VCF-style: chr19-42794753-A-T.
Other names: c.4560A>T, p.Pro1520= (NM_001304815.2, NM_001379480.1, NM_001379482.1 and 6 more transcripts); c.1833A>T, p.Pro611= (NM_001379484.1, NM_001379485.1, NM_001439189.1 and 3 more transcripts).
Identifiers: ClinVar variation 5039131 (VCV005039131.1).